The following is an entry in ClinVar:

ClinVar aggregate classification (germline): Conflicting classifications of pathogenicity. Review status: criteria provided, conflicting classifications (1 of 4 stars). 4 submissions from 4 submitters: Uncertain significance (3); Likely benign (1). Last evaluated 2026-01-08.

Conditions:
Hereditary cancer-predisposing syndrome. Also called: Hereditary neoplastic syndrome; Hereditary Cancer Syndrome; Neoplastic Syndromes, Hereditary; Tumor predisposition. Identifiers: Orphanet 140162, MedGen C0027672, MeSH D009386, MONDO:0015356.
Cardiovascular phenotype. Identifiers: MedGen CN230736.
Neurofibromatosis, type 1 (NF1). Also called: Neurofibromatosis, type I; VON RECKLINGHAUSEN DISEASE; NEUROFIBROMATOSIS, TYPE I, SOMATIC; Peripheral type neurofibromatosis. Identifiers: Orphanet 636, MedGen C0027831, MONDO:0018975, OMIM 162200. Disease mechanism: loss of function.

Allele frequency attached by ClinVar (database versions not stated): gnomAD exomes below 0.00001.

Submissions (4):

Labcorp Genetics (formerly Invitae), Labcorp
Classification: Uncertain significance for Neurofibromatosis, type 1. Last evaluated: 2026-01-08. Review status: criteria provided, single submitter. Criteria: Invitae Variant Classification Sherloc (09022015). Collection method: clinical testing. Allele origin: germline.
Comment: This sequence change replaces valine, which is neutral and non-polar, with alanine, which is neutral and non-polar, at codon 351 of the NF1 protein (p.Val351Ala). This variant is not present in population databases (gnomAD no frequency). This variant has not been reported in the literature in individuals affected with NF1-related conditions. ClinVar contains an entry for this variant (Variation ID: 421102). Invitae Evidence Modeling of protein sequence and biophysical properties (such as structural, functional, and spatial information, amino acid conservation, physicochemical variation, residue mobility, and thermodynamic stability) indicates that this missense variant is not expected to disrupt NF1 protein function with a negative predictive value of 95%. In summary, the available evidence is currently insufficient to determine the role of this variant in disease. Therefore, it has been classified as a Variant of Uncertain Significance.

Ambry Genetics
Classification: Likely benign for Cardiovascular phenotype; Hereditary cancer-predisposing syndrome. Last evaluated: 2023-11-17. Review status: criteria provided, single submitter. Criteria: Ambry Variant Classification Scheme 2023. Collection method: clinical testing. Allele origin: germline.

Genome-Nilou Lab
Classification: Uncertain significance for Neurofibromatosis, type 1. Last evaluated: 2022-03-15. Review status: criteria provided, single submitter. Criteria: ACMG Guidelines, 2015. Collection method: clinical testing. Allele origin: germline. Affected: no.

GeneDx
Classification: Uncertain significance. Last evaluated: 2016-05-06. Review status: criteria provided, single submitter. Criteria: GeneDx Variant Classification (06012015). Collection method: clinical testing. Allele origin: germline. Affected: yes.
Comment: This variant is denoted NF1 c.1052T>C at the cDNA level, p.Val351Ala (V351A) at the protein level, and results in the change of a Valine to an Alanine (GTT>GCT). This variant has not, to our knowledge, been published in the literature as pathogenic or benign. NF1 Val351Ala was not observed in approximately 6,500 individuals of European and African American ancestry in the NHLBI Exome Sequencing Project, suggesting it is not a common benign variant in these populations. Since Valine and Alanine share similar properties, this is considered a conservative amino acid substitution. NF1 Val351Ala occurs at a position where amino acids with properties similar to Valine are tolerated across species and is not located in a known functional domain. In silico analyses are inconsistent regarding the effect this variant may have on protein structure and function. Based on currently available evidence, it is unclear whether NF1 Val351Ala is a pathogenic or benign variant. We consider it to be a variant of uncertain significance.

NM_001042492.3(NF1):c.1052T>C (p.Val351Ala)

Gene: NF1 (neurofibromin 1; plus strand). Cytogenetic location: 17q11.2.
Variant type: single nucleotide variant.
Coding change: c.1052T>C on transcript NM_001042492.3 (MANE Select); coding-DNA position 1052, T replaced by C.
Protein change: p.Val351Ala; replaces valine 351 with alanine.
Molecular consequence: missense variant.
Genome position (GRCh38, 1-based): chr17:31,200,585, T>C. VCF-style: chr17-31200585-T-C. GRCh37 (hg19) VCF-style: chr17-29527603-T-C.
Other names: c.1052T>C, p.Val351Ala (NM_000267.4, NM_001128147.3); short protein forms V351A.
Identifiers: ClinVar variation 421102 (VCV000421102.12), dbSNP rs878853861, ClinGen allele CA16620356.